The following is an entry in ClinVar:

ClinVar aggregate classification (germline): Uncertain significance. Review status: criteria provided, multiple submitters, no conflicts (2 of 4 stars). 3 submissions from 3 submitters: Uncertain significance (2). 1 of the submissions does not count toward it. Last evaluated 2024-11-19.

Conditions:
Eichsfeld type congenital muscular dystrophy (CMYO3). Also called: MYOPATHY, SEPN1-RELATED; Rigid spine muscular dystrophy 1; SELENON-related myopathy; Congenital myopathy 3 with rigid spine. Identifiers: MedGen C0410180, MONDO:0100100, OMIM 602771.

gnomAD v4.1: 8 of 1,614,134 alleles (0.0005%); highest among the groups gnomAD compares: Middle Eastern, 0.017%; no homozygotes.

Submissions (3):

GeneDx
Classification: Uncertain significance. Last evaluated: 2024-11-19. Review status: criteria provided, single submitter. Criteria: GeneDx Variant Classification Process June 2021. Collection method: clinical testing. Allele origin: germline. Affected: yes.
Comment: Not observed at significant frequency in large population cohorts (gnomAD); In silico analysis supports that this missense variant has a deleterious effect on protein structure/function; Has not been previously published as pathogenic or benign to our knowledge

Labcorp Genetics (formerly Invitae), Labcorp
Classification: Uncertain significance for Eichsfeld type congenital muscular dystrophy. Last evaluated: 2021-11-21. Review status: criteria provided, single submitter. Criteria: Invitae Variant Classification Sherloc (09022015). Collection method: clinical testing. Allele origin: germline.
Comment: This sequence change replaces serine, which is neutral and polar, with isoleucine, which is neutral and non-polar, at codon 152 of the SELENON protein (p.Ser152Ile). This variant is not present in population databases (gnomAD no frequency). This variant has not been reported in the literature in individuals affected with SELENON-related conditions. ClinVar contains an entry for this variant (Variation ID: 592100). Algorithms developed to predict the effect of missense changes on protein structure and function (SIFT, PolyPhen-2, Align-GVGD) all suggest that this variant is likely to be disruptive. In summary, the available evidence is currently insufficient to determine the role of this variant in disease. Therefore, it has been classified as a Variant of Uncertain Significance.

Biochemical Molecular Genetic Laboratory, King Abdulaziz Medical City
Classification: Uncertain significance for Eichsfeld type congenital muscular dystrophy. Last evaluated: 2018-05-09. Review status: no assertion criteria provided. Collection method: clinical testing. Allele origin: germline. Affected: yes. Not counted in ClinVar's aggregate classification.

NM_206926.2(SELENON):c.353G>T (p.Ser118Ile)

Gene: SELENON (selenoprotein N; plus strand). Cytogenetic location: 1p36.11.
Variant type: single nucleotide variant.
Coding change: c.353G>T on transcript NM_206926.2 (MANE Select); coding-DNA position 353, G replaced by T.
Protein change: p.Ser118Ile; replaces serine 118 with isoleucine.
Molecular consequence: missense variant.
Genome position (GRCh38, 1-based): chr1:25,805,193, G>T. VCF-style: chr1-25805193-G-T. GRCh37 (hg19) VCF-style: chr1-26131684-G-T.
Other names: c.455G>T, p.Ser152Ile (NM_020451.3); c.455G>T (NM_020451.2); short protein forms S152I, S118I.
Identifiers: ClinVar variation 592100 (VCV000592100.8), dbSNP rs762382665, ClinGen allele CA339109889.
Genomic context (GRCh38, chr1:25,805,193, plus strand): 5'-GTCTCATAGGGTCAACTCCCGCGGCCAGCTGCGAGGAGGAGGAGTTGCCCCCTGACCCTA[G>T]CGAGGAGACGCTCACCATAGAAGCCCGATTCCAGCCTCTGCTCCCGGAGACCATGACCAA-3'
Protein context (NP_996809.1, residues 108-128): CEEEELPPDP[Ser118Ile]EETLTIEARF